The following is an entry in ClinVar:

ClinVar aggregate classification (germline): Uncertain significance. Review status: criteria provided, multiple submitters, no conflicts (2 of 4 stars). 4 submissions from 4 submitters: Uncertain significance (4). Last evaluated 2026-01-29.

Conditions:
Usher syndrome type 2A. Also called: RETINAL DISEASE IN USHER SYNDROME TYPE IIA, MODIFIER OF; USHER SYNDROME, TYPE IIA. Identifiers: Orphanet 231178, Orphanet 886, MedGen C1848634, MONDO:0010169, OMIM 276901.
Retinitis pigmentosa 39 (RP39). Identifiers: Orphanet 791, MedGen C3151138, MONDO:0013436, OMIM 613809.

Allele frequency attached by ClinVar (database versions not stated): ExAC 0.00001; gnomAD exomes 0.00003 and below 0.00001.
gnomAD v4.1: 47 of 1,614,056 alleles (0.0029%); highest among the groups gnomAD compares: Non-Finnish European, 0.004%; no homozygotes.

Submissions (4):

GeneDx
Classification: Uncertain significance. Last evaluated: 2026-01-29. Review status: criteria provided, single submitter. Criteria: GeneDx Variant Classification Process June 2021. Collection method: clinical testing. Allele origin: germline.
Comment: Not observed at significant frequency in large population cohorts (gnomAD); In silico analysis supports that this missense variant has a deleterious effect on protein structure/function; Has not been previously published as pathogenic or benign to our knowledge

Labcorp Genetics (formerly Invitae), Labcorp
Classification: Uncertain significance. Last evaluated: 2024-09-21. Review status: criteria provided, single submitter. Criteria: Invitae Variant Classification Sherloc (09022015). Collection method: clinical testing. Allele origin: germline.
Comment: This sequence change replaces asparagine, which is neutral and polar, with lysine, which is basic and polar, at codon 682 of the USH2A protein (p.Asn682Lys). This variant is present in population databases (rs767262784, gnomAD 0.0009%). This variant has not been reported in the literature in individuals affected with USH2A-related conditions. ClinVar contains an entry for this variant (Variation ID: 955650). Invitae Evidence Modeling of protein sequence and biophysical properties (such as structural, functional, and spatial information, amino acid conservation, physicochemical variation, residue mobility, and thermodynamic stability) indicates that this missense variant is not expected to disrupt USH2A protein function with a negative predictive value of 95%. In summary, the available evidence is currently insufficient to determine the role of this variant in disease. Therefore, it has been classified as a Variant of Uncertain Significance.

Blueprint Genetics
Classification: Uncertain significance. Last evaluated: 2022-09-15. Review status: criteria provided, single submitter. Criteria: ACMG Guidelines, 2015. Collection method: clinical testing. Allele origin: germline.

Department of Pathology and Laboratory Medicine, Sinai Health System
Classification: Uncertain significance for Usher syndrome type 2A; Retinitis pigmentosa 39. Last evaluated: 2020-08-31. Review status: criteria provided, single submitter. Criteria: ACMG Guidelines, 2015. Collection method: research. Allele origin: germline.

NM_206933.4(USH2A):c.2046T>G (p.Asn682Lys)

Gene: USH2A (usherin; minus strand). Cytogenetic location: 1q41.
Variant type: single nucleotide variant.
Coding change: c.2046T>G on transcript NM_206933.4 (MANE Select); coding-DNA position 2046, T replaced by G.
Protein change: p.Asn682Lys; replaces asparagine 682 with lysine.
Molecular consequence: missense variant.
Genome position (GRCh38, 1-based): chr1:216,251,024, A>C on the plus strand (T>G on the coding strand, the complement: USH2A is on the minus strand). VCF-style: chr1-216251024-A-C. GRCh37 (hg19) VCF-style: chr1-216424366-A-C.
Other names: c.2046T>G, p.Asn682Lys (NM_007123.6); short protein forms N682K.
Identifiers: ClinVar variation 955650 (VCV000955650.10), dbSNP rs767262784, ClinGen allele CA1396319.